The following is an entry in ClinVar:

NM_000204.5(CFI):c.111A>C (p.Lys37Asn)

Gene: CFI (complement factor I; minus strand). Cytogenetic location: 4q25.
Variant type: single nucleotide variant.
Coding change: c.111A>C on transcript NM_000204.5 (MANE Select); coding-DNA position 111, A replaced by C.
Protein change: p.Lys37Asn; replaces lysine 37 with asparagine.
Molecular consequence: missense variant. On other transcripts: non-coding transcript variant (3), intron variant (1).
Genome position (GRCh38, 1-based): chr4:109,766,771, T>G on the plus strand (A>C on the coding strand, the complement: CFI is on the minus strand). VCF-style: chr4-109766771-T-G. GRCh37 (hg19) VCF-style: chr4-110687927-T-G.
Other names: c.111A>C, p.Lys37Asn (NM_001318057.2, NM_001331035.2, NM_001375278.1 and 5 more transcripts); c.-127-5079A>C (NM_001375284.1); short protein forms K37N.
Identifiers: ClinVar variation 2105510 (VCV002105510.4), dbSNP rs1280667820, ClinGen allele CA357865713.
Genomic context (GRCh38, chr4:109,766,771, plus strand): 5'-GCCCTCAATGCATCTCTGCCATGGCTGGCAGAAGACTTTATCGCAGGAGAGGTGAGTATA[T>G]TTTTTTGCTAAGCACTTTTTCTCCACCAGATCCTCTTGAGATGTATAAGTGACCTGTAAA-3'
Protein context (NP_000195.3, residues 27-47): DLVEKKCLAK[Lys37Asn]YTHLSCDKVF

ClinVar aggregate classification (germline): Uncertain significance (1 of 4 stars; one submission).

Allele frequency attached by ClinVar (database versions not stated): gnomAD exomes below 0.00001; gnomAD 0.00001; TOPMed 0.00001.
gnomAD v4.1: 4 of 1,613,964 alleles (0.00025%); highest among the groups gnomAD compares: Non-Finnish European, 0.00034%; no homozygotes.

Submission:

Labcorp Genetics (formerly Invitae), Labcorp
Classification: Uncertain significance. Last evaluated: 2022-10-07. Review status: criteria provided, single submitter. Criteria: Invitae Variant Classification Sherloc (09022015). Collection method: clinical testing. Allele origin: germline.
Comment: In summary, the available evidence is currently insufficient to determine the role of this variant in disease. Therefore, it has been classified as a Variant of Uncertain Significance. Advanced modeling of protein sequence and biophysical properties (such as structural, functional, and spatial information, amino acid conservation, physicochemical variation, residue mobility, and thermodynamic stability) performed at Invitae indicates that this missense variant is not expected to disrupt CFI protein function. This variant has not been reported in the literature in individuals affected with CFI-related conditions. This variant is not present in population databases (gnomAD no frequency). This sequence change replaces lysine, which is basic and polar, with asparagine, which is neutral and polar, at codon 37 of the CFI protein (p.Lys37Asn).